The following is an entry in ClinVar:

ClinVar aggregate classification (germline): Uncertain significance (1 of 4 stars; one submission).

Conditions:
Developmental and epileptic encephalopathy 94 (DEE94). Also called: Epileptic encephalopathy, childhood-onset; CHD2-Related Neurodevelopmental Disorders. Identifiers: Orphanet 1942, Orphanet 2382, MedGen C3809278, MONDO:0014150, OMIM 615369.

Submission:

Labcorp Genetics (formerly Invitae), Labcorp
Classification: Uncertain significance for Developmental and epileptic encephalopathy 94. Last evaluated: 2024-02-26. Review status: criteria provided, single submitter. Criteria: Invitae Variant Classification Sherloc (09022015). Collection method: clinical testing. Allele origin: germline.
Comment: This sequence change creates a premature translational stop signal (p.Ser1745Ilefs*68) in the CHD2 gene. While this is not anticipated to result in nonsense mediated decay, it is expected to disrupt the last 84 amino acid(s) of the CHD2 protein. This variant is not present in population databases (gnomAD no frequency). This premature translational stop signal has been observed in individual(s) with clinical features of CHD2-related conditions (Invitae). ClinVar contains an entry for this variant (Variation ID: 856575). Experimental studies and prediction algorithms are not available or were not evaluated, and the functional significance of this variant is currently unknown. In summary, the available evidence is currently insufficient to determine the role of this variant in disease. Therefore, it has been classified as a Variant of Uncertain Significance.

NM_001271.4(CHD2):c.5233_5236del (p.Ser1745fs)

Gene: CHD2 (chromodomain helicase DNA binding protein 2; plus strand). Cytogenetic location: 15q26.1.
Variant type: Deletion.
Coding change: c.5233_5236del on transcript NM_001271.4 (MANE Select); coding-DNA positions 5233 to 5236, 4 bases deleted (TCTG; older notation c.5233_5236delTCTG).
Protein change: p.Ser1745fs; shifts the reading frame from serine 1745.
Molecular consequence: frameshift variant.
Genome position (GRCh38, 1-based): chr15:93,024,451-93,024,454, TCTG deleted; deleting any 4 consecutive bases within chr15:93,024,449-93,024,454 gives the same sequence; the c. name uses the placement nearest the transcript's 3' end. VCF-style (leftmost placement, unchanged base first): chr15-93024448-ATGTC-A. GRCh37 (hg19) VCF-style: chr15-93567678-ATGTC-A.
Other names: short protein forms S1745fs.
Identifiers: ClinVar variation 856575 (VCV000856575.10), dbSNP rs2054569319, ClinGen allele CA916083449.
Genomic context (GRCh38, chr15:93,024,448, plus strand): 5'-AAGCGGAGGAGATCCGATGAATTTAGGCCTCAAAATTACCACCAGCAGGATTTCCGACGA[ATGTC>A]TGATCACCGCCCCGCTATGGGCTACCATGGCCAGGGACCCTCAGACCATTACCGCTCTTT-3'